The following is an entry in ClinVar:

ClinVar aggregate classification (germline): Uncertain significance (1 of 4 stars; one submission).

Conditions:
Spinal muscular atrophy-progressive myoclonic epilepsy syndrome. Also called: Spinal muscular atrophy with progressive myoclonic epilepsy; Hereditary myoclonus and progressive distal muscular atrophy; MYOCLONUS, HEREDITARY, WITH PROGRESSIVE DISTAL MUSCULAR ATROPHY; Spinal Muscular Atrophy with Progressive Myoclonic Epilepsy (SMA-PME). Identifiers: Orphanet 2590, MedGen C1834569, MONDO:0008045, OMIM 159950.
Farber lipogranulomatosis (FRBRL). Also called: Farber's lipogranulomatosis; Farber disease; AC DEFICIENCY; ACID CERAMIDASE DEFICIENCY; CERAMIDASE DEFICIENCY; N-LAURYLSPHINGOSINE DEACYLASE DEFICIENCY. Identifiers: Orphanet 333, MedGen C0268255, MONDO:0009218, OMIM 228000.

Submission:

Juno Genomics, Hangzhou Juno Genomics, Inc
Classification: Uncertain significance for Farber lipogranulomatosis; Spinal muscular atrophy-progressive myoclonic epilepsy syndrome. Review status: criteria provided, single submitter. Criteria: ACMG Guidelines, 2015. Collection method: clinical testing. Allele origin: germline.
Comment: Absent from controls (or at extremely low frequency if recessive) in Genome Aggregation Database.;Multiple lines of computational evidence support a deleterious effect on the gene or gene product.

NM_177924.5(ASAH1):c.181A>G (p.Arg61Gly)

Gene: ASAH1 (N-acylsphingosine amidohydrolase 1; minus strand). Cytogenetic location: 8p22.
Variant type: single nucleotide variant.
Coding change: c.181A>G on transcript NM_177924.5 (MANE Select); coding-DNA position 181, A replaced by G.
Protein change: p.Arg61Gly; replaces arginine 61 with glycine.
Molecular consequence: missense variant. On other transcripts: 5 prime UTR variant (1), non-coding transcript variant (1).
Genome position (GRCh38, 1-based): chr8:18,071,335, T>C on the plus strand (A>G on the coding strand, the complement: ASAH1 is on the minus strand). VCF-style: chr8-18071335-T-C. GRCh37 (hg19) VCF-style: chr8-17928844-T-C.
Other names: c.250A>G, p.Arg84Gly (NM_001127505.3); c.-15A>G (NM_001363743.2); c.229A>G, p.Arg77Gly (NM_004315.6); short protein forms R77G, R61G, R84G.
Identifiers: ClinVar variation 5007293 (VCV005007293.2).
Genomic context (GRCh38, chr8:18,071,335, plus strand): 5'-AAAAGATTTAAGCATCATAGCATACCACTGGTGCCTTGTCAAGCATCAATTCATGCCATC[T>C]TTTGTAGGGTGGTAAGTCAAGATTTATGGTGTACCATGGAACTGCACCTCTGTACCTGTA-3'
Protein context (NP_808592.2, residues 51-71): TINLDLPPYK[Arg61Gly]WHELMLDKAP